The following is an entry in ClinVar:

NM_032119.4(ADGRV1):c.8401G>A (p.Gly2801Arg)

Gene: ADGRV1 (adhesion G protein-coupled receptor V1; plus strand). Cytogenetic location: 5q14.3.
Variant type: single nucleotide variant.
Coding change: c.8401G>A on transcript NM_032119.4 (MANE Select); coding-DNA position 8401, G replaced by A.
Protein change: p.Gly2801Arg; replaces glycine 2801 with arginine.
Molecular consequence: missense variant. On other transcripts: non-coding transcript variant (1).
Genome position (GRCh38, 1-based): chr5:90,705,414, G>A. VCF-style: chr5-90705414-G-A. GRCh37 (hg19) VCF-style: chr5-90001231-G-A.
Other names: short protein forms G2801R.
Identifiers: ClinVar variation 288996 (VCV000288996.59), dbSNP rs760510612, ClinGen allele CA3340257.

ClinVar aggregate classification (germline): Conflicting classifications of pathogenicity. Review status: criteria provided, conflicting classifications (1 of 4 stars). 9 submissions from 9 submitters: Pathogenic (1); Uncertain significance (6); Likely benign (2). Last evaluated 2026-09-22.

Conditions:
ADGRV1-related disorder. Also called: ADGRV1-related condition; ADGRV1-related disorders.
Usher syndrome type 2C. Also called: Usher syndrome, type 2B; USHER SYNDROME, TYPE IIC. Identifiers: Orphanet 231178, Orphanet 886, MedGen C2931213, MONDO:0011558, OMIM 605472.

Allele frequency attached by ClinVar (database versions not stated): ExAC 0.00002; gnomAD exomes 0.00004; gnomAD 0.00011 and 0.00012; TOPMed 0.00018.
gnomAD v4.1: 81 of 1,613,176 alleles (0.005%); highest among the groups gnomAD compares: Admixed American, 0.035%; no homozygotes.

Submissions (9):

PreventionGenetics, part of Exact Sciences
Classification: Uncertain significance for ADGRV1-related condition. Last evaluated: 2026-09-22. Review status: criteria provided, single submitter. Criteria: ACMG Guidelines, 2015. Collection method: clinical testing. Allele origin: germline.
Comment: The ADGRV1 c.8401G>A variant is predicted to result in the amino acid substitution p.Gly2801Arg. This variant has been reported along with a second ADGRV1 variant in individuals with Usher syndrome or hearing loss (Table S3, Sloan-Heggen et al. 2016. PubMed ID: 26969326; Table S2, Weisschuh et al. 2020. PubMed ID: 32531858). This variant is reported in 0.026% of alleles in individuals of Latino descent in gnomAD. At this time, the clinical significance of this variant is uncertain due to the absence of conclusive functional and genetic evidence.

Labcorp Genetics (formerly Invitae), Labcorp
Classification: Likely benign. Last evaluated: 2026-01-11. Review status: criteria provided, single submitter. Criteria: Invitae Variant Classification Sherloc (09022015). Collection method: clinical testing. Allele origin: germline.

Women's Health and Genetics/Laboratory Corporation of America, LabCorp
Classification: Uncertain significance. Last evaluated: 2025-11-05. Review status: criteria provided, single submitter. Criteria: LabCorp Variant Classification Summary - May 2015. Collection method: clinical testing. Allele origin: germline.
Comment: Variant summary: ADGRV1 c.8401G>A (p.Gly2801Arg) results in a non-conservative amino acid change in the encoded protein sequence. Algorithms developed to predict the effect of missense changes on protein structure and function are either unavailable or do not agree on the potential impact of this missense change. The variant allele was found at a frequency of 4e-05 in 248282 control chromosomes (gnomAD). This frequency is not significantly higher than estimated for disease-causing variants in ADGRV1, allowing no conclusion about variant significance. c.8401G>A has been observed in individuals affected with ADGRV1-Related Disorders (Sloan-Heggen_2016, Weisschuh_2020, Ganapathi_2022). These reports do not provide unequivocal conclusions about association of the variant with ADGRV1-Related Disorders. To our knowledge, no experimental evidence demonstrating an impact on protein function has been reported. The following publications have been ascertained in the context of this evaluation (PMID: 35672425, 26969326, 32531858). ClinVar contains an entry for this variant (Variation ID: 288996). Based on the evidence outlined above, the variant was classified as uncertain significance.

Athena Diagnostics
Classification: Uncertain significance. Last evaluated: 2024-11-22. Review status: criteria provided, single submitter. Criteria: Athena Diagnostics Criteria. Collection method: clinical testing. Allele origin: unknown.
Comment: Available data are insufficient to determine the clinical significance of the variant at this time. The frequency of this variant in the general population is uninformative in assessment of its pathogenicity. Polyphen and MutationTaster predict this amino acid change may be damaging to the protein.

Blueprint Genetics
Classification: Uncertain significance. Last evaluated: 2024-11-20. Review status: criteria provided, single submitter. Criteria: ACMG Guidelines, 2015. Collection method: clinical testing. Allele origin: germline.

Laboratory of Prof. Karen Avraham, Tel Aviv University
Classification: Pathogenic for Usher syndrome type 2C. Last evaluated: 2024-08-20. Review status: criteria provided, single submitter. Criteria: ACMG Guidelines, 2015. Collection method: research. Allele origin: germline. Affected: yes. Observed: 1 variant allele.
Comment: Pathogenic according to Deafness Variation Database based on PMID:26969326.

GeneDx
Classification: Uncertain significance. Last evaluated: 2021-07-30. Review status: criteria provided, single submitter. Criteria: GeneDx Variant Classification Process June 2021. Collection method: clinical testing. Allele origin: germline. Affected: yes.
Comment: Identified in the heterozygous state in an individual with hearing loss who was also heterozygous for the R5703H variant in the ADGRV1 [GPR98] gene in published literature (Sloan-Heggen et al., 2016); however, familial segregation and additional clinical information is not known; In silico analysis supports that this missense variant has a deleterious effect on protein structure/function; This variant is associated with the following publications: (PMID: 26969326)

CeGaT Center for Human Genetics Tuebingen
Classification: Likely benign. Last evaluated: 2021-04-01. Review status: criteria provided, single submitter. Criteria: CeGaT Center For Human Genetics Tuebingen Variant Classification Criteria Version 2. Collection method: clinical testing. Allele origin: germline. Affected: yes. Observed: 2 variant alleles.

Eurofins Ntd Llc (ga)
Classification: Uncertain significance. Last evaluated: 2016-06-30. Review status: criteria provided, single submitter. Criteria: EGL Classification Definitions 2015. Collection method: clinical testing. Allele origin: germline. Observed: 1 variant allele, 1 heterozygote.

Literature cited by the submitters: PubMed 26969326 (cited by Women's Health and Genetics/Laboratory Corporation of America, LabCorp and Athena Diagnostics); PubMed 32531858 (cited by Women's Health and Genetics/Laboratory Corporation of America, LabCorp and Athena Diagnostics); PubMed 35672425 (cited by Women's Health and Genetics/Laboratory Corporation of America, LabCorp).